The following is an entry in ClinVar:

NM_001369.3(DNAH5):c.6757A>T (p.Arg2253Ter)

Gene: DNAH5 (dynein axonemal heavy chain 5; minus strand). Cytogenetic location: 5p15.2.
Variant type: single nucleotide variant.
Coding change: c.6757A>T on transcript NM_001369.3 (MANE Select); coding-DNA position 6757, A replaced by T.
Protein change: p.Arg2253Ter; replaces arginine 2253 with a stop codon.
Molecular consequence: nonsense.
Genome position (GRCh38, 1-based): chr5:13,820,430, T>A on the plus strand (A>T on the coding strand, the complement: DNAH5 is on the minus strand). VCF-style: chr5-13820430-T-A. GRCh37 (hg19) VCF-style: chr5-13820539-T-A.
Other names: short protein forms R2253*.
Identifiers: ClinVar variation 1358586 (VCV001358586.7), dbSNP rs2151814381, ClinGen allele CA359194849.

ClinVar aggregate classification (germline): Pathogenic. Review status: criteria provided, multiple submitters, no conflicts (2 of 4 stars). 2 submissions from 2 submitters: Pathogenic (2). Last evaluated 2024-05-08.

Conditions:
Primary ciliary dyskinesia. Also called: Ciliary dyskinesia. Identifiers: Orphanet 244, MedGen C0008780, MONDO:0016575, HP:0012265.
Primary ciliary dyskinesia 3. Identifiers: Orphanet 244, MedGen C1837618, MONDO:0012085, OMIM 608644.

gnomAD v4.1: 1 of 1,614,070 alleles (0.000062%); highest among the groups gnomAD compares: Non-Finnish European, 0.000085%; no homozygotes.

Submissions (2):

Myriad Genetics, Inc.
Classification: Pathogenic for Primary ciliary dyskinesia 3. Last evaluated: 2024-05-08. Review status: criteria provided, single submitter. Criteria: Myriad Autosomal Dominant, Autosomal Recessive and X-Linked Classification Criteria (2023). Collection method: clinical testing. Allele origin: unknown.
Comment: NM_001369.2(DNAH5):c.6757A>T(R2253*) is expected to be pathogenic in the context of primary ciliary dyskinesia, DNAH5-related. This variant is predicted to lead to an abnormal or absent protein product due to the creation of a premature termination codon in DNAH5, a gene where loss-of-function variants are known to be pathogenic. Please note: this variant was assessed in the context of healthy population screening.

Labcorp Genetics (formerly Invitae), Labcorp
Classification: Pathogenic for Primary ciliary dyskinesia. Last evaluated: 2023-11-29. Review status: criteria provided, single submitter. Criteria: Invitae Variant Classification Sherloc (09022015). Collection method: clinical testing. Allele origin: germline.
Comment: This sequence change creates a premature translational stop signal (p.Arg2253*) in the DNAH5 gene. It is expected to result in an absent or disrupted protein product. Loss-of-function variants in DNAH5 are known to be pathogenic (PMID: 11788826, 16627867). This variant is not present in population databases (gnomAD no frequency). This variant has not been reported in the literature in individuals affected with DNAH5-related conditions. ClinVar contains an entry for this variant (Variation ID: 1358586). Algorithms developed to predict the effect of sequence changes on RNA splicing suggest that this variant may create or strengthen a splice site. For these reasons, this variant has been classified as Pathogenic.

Literature cited by the submitters: PubMed 11788826 (cited by Labcorp Genetics (formerly Invitae), Labcorp); PubMed 16627867 (cited by Labcorp Genetics (formerly Invitae), Labcorp).